The following is an entry in ClinVar:

NM_000536.4(RAG2):c.1210G>T (p.Glu404Ter)

Gene: RAG2 (recombination activating 2; minus strand). Cytogenetic location: 11p12.
Variant type: single nucleotide variant.
Coding change: c.1210G>T on transcript NM_000536.4 (MANE Select); coding-DNA position 1210, G replaced by T.
Protein change: p.Glu404Ter; replaces glutamic acid 404 with a stop codon.
Molecular consequence: nonsense.
Genome position (GRCh38, 1-based): chr11:36,592,959, C>A on the plus strand (G>T on the coding strand, the complement: RAG2 is on the minus strand). VCF-style: chr11-36592959-C-A. GRCh37 (hg19) VCF-style: chr11-36614509-C-A.
Other names: c.1210G>T, p.Glu404Ter (NM_001243785.2, NM_001243786.2); short protein forms E404*.
Identifiers: ClinVar variation 2933346 (VCV002933346.4), dbSNP rs2494789497, ClinGen allele CA380140871.

ClinVar aggregate classification (germline): Pathogenic. Review status: criteria provided, multiple submitters, no conflicts (2 of 4 stars). 2 submissions from 2 submitters: Pathogenic (2). Last evaluated 2025-08-22.

Conditions:
Recombinase activating gene 2 deficiency. Also called: RAG2 deficiency. Identifiers: MedGen CN257931, MONDO:0000573.
Combined immunodeficiency with skin granulomas. Identifiers: Orphanet 157949, MedGen C2673536, MONDO:0009306, OMIM 233650.
Severe combined immunodeficiency, autosomal recessive, T cell-negative, B cell-negative, NK cell-positive. Also called: Severe combined immunodeficiency due to complete RAG1/2 deficiency; SCID, AR, T-cell negative, B-cell negative, NK cell-positive; SCID, T CELL-NEGATIVE, B CELL-NEGATIVE, NK CELL-POSITIVE. Identifiers: Orphanet 331206, MedGen C1832322, MONDO:0011086, OMIM 601457.

Submissions (2):

Myriad Genetics, Inc.
Classification: Pathogenic for Recombinase activating gene 2 deficiency. Last evaluated: 2025-08-22. Review status: criteria provided, single submitter. Criteria: Myriad Autosomal Dominant, Autosomal Recessive and X-Linked Classification Criteria (2023). Collection method: clinical testing. Allele origin: unknown.
Comment: NM_001243785.1(RAG2):c.1210G>T(E404*) is a nonsense variant classified as pathogenic in the context of severe combined immunodeficiency, RAG2-related. E404* has been observed in a case with relevant disease (PMID: 32655540). Relevant functional assessments of this variant are not available in the literature. E404* has not been observed in referenced population frequency databases. In summary, NM_001243785.1(RAG2):c.1210G>T(E404*) is a nonsense variant in a gene where loss of function is a known mechanism of disease, is predicted to disrupt protein function, and has been observed more frequently in cases with the relevant disease than in healthy populations. Please note: this variant was assessed in the context of healthy population screening.

Labcorp Genetics (formerly Invitae), Labcorp
Classification: Pathogenic for Combined immunodeficiency with skin granulomas; Severe combined immunodeficiency, autosomal recessive, T cell-negative, B cell-negative, NK cell-positive. Last evaluated: 2023-12-11. Review status: criteria provided, single submitter. Criteria: Invitae Variant Classification Sherloc (09022015). Collection method: clinical testing. Allele origin: germline.
Comment: This sequence change creates a premature translational stop signal (p.Glu404*) in the RAG2 gene. While this is not anticipated to result in nonsense mediated decay, it is expected to disrupt the last 124 amino acid(s) of the RAG2 protein. This variant is not present in population databases (gnomAD no frequency). This premature translational stop signal has been observed in individual(s) with severe combined immunodeficiency (PMID: 32655540). This variant disrupts a region of the RAG2 protein in which other variant(s) (p.Trp453Arg) have been determined to be pathogenic (PMID: 10891502, 12200379, 18033247, 20234091). This suggests that this is a clinically significant region of the protein, and that variants that disrupt it are likely to be disease-causing. For these reasons, this variant has been classified as Pathogenic.

Literature cited by the submitters: PubMed 32655540 (cited by Myriad Genetics, Inc. and Labcorp Genetics (formerly Invitae), Labcorp); PubMed 10891502 (cited by Labcorp Genetics (formerly Invitae), Labcorp); PubMed 12200379 (cited by Labcorp Genetics (formerly Invitae), Labcorp); PubMed 18033247 (cited by Labcorp Genetics (formerly Invitae), Labcorp); PubMed 20234091 (cited by Labcorp Genetics (formerly Invitae), Labcorp).